The following is an entry in ClinVar:

NM_000143.4(FH):c.229A>G (p.Met77Val)

Gene: FH (fumarate hydratase; minus strand). Cytogenetic location: 1q43.
Variant type: single nucleotide variant.
Coding change: c.229A>G on transcript NM_000143.4 (MANE Select); coding-DNA position 229, A replaced by G.
Protein change: p.Met77Val; replaces methionine 77 with valine.
Molecular consequence: missense variant.
Genome position (GRCh38, 1-based): chr1:241,517,220, T>C on the plus strand (A>G on the coding strand, the complement: FH is on the minus strand). VCF-style: chr1-241517220-T-C. GRCh37 (hg19) VCF-style: chr1-241680520-T-C.
Other names: short protein forms M77V.
Identifiers: ClinVar variation 2080033 (VCV002080033.6), dbSNP rs1277364872, ClinGen allele CA345441748.
Genomic context (GRCh38, chr1:241,517,220, plus strand): 5'-CATTTCCACAAATGCCACTTACTGGCATGCGTTCTGTCACACCTCCAATCTTAAAGTTCA[T>C]CGTAGATCTCACGGTCTGGGCGCCATAATACTTATCATTTGGCACCTTTAGTTCACCAAA-3'
Protein context (NP_000134.2, residues 67-87): YYGAQTVRST[Met77Val]NFKIGGVTER

ClinVar aggregate classification (germline): Uncertain significance. Review status: criteria provided, multiple submitters, no conflicts (2 of 4 stars). 2 submissions from 2 submitters: Uncertain significance (2). Last evaluated 2025-09-14.

Conditions:
Hereditary cancer-predisposing syndrome. Also called: Hereditary Cancer Syndrome; Tumor predisposition; Hereditary neoplastic syndrome; Neoplastic Syndromes, Hereditary. Identifiers: Orphanet 140162, MedGen C0027672, MeSH D009386, MONDO:0015356.

Allele frequency attached by ClinVar (database versions not stated): gnomAD exomes below 0.00001.
gnomAD v4.1: 2 of 1,614,180 alleles (0.00012%); highest among the groups gnomAD compares: Non-Finnish European, 0.00017%; no homozygotes.

Submissions (2):

Ambry Genetics
Classification: Uncertain significance for Hereditary cancer-predisposing syndrome. Last evaluated: 2025-09-14. Review status: criteria provided, single submitter. Criteria: Ambry Variant Classification Scheme 2023. Collection method: clinical testing. Allele origin: germline.
Comment: The p.M77V variant (also known as c.229A>G), located in coding exon 2 of the FH gene, results from an A to G substitution at nucleotide position 229. The methionine at codon 77 is replaced by valine, an amino acid with highly similar properties. This amino acid position is highly conserved in available vertebrate species. In addition, this alteration is predicted to be deleterious by in silico analysis. Since supporting evidence is limited at this time, the clinical significance of this alteration remains unclear.

Labcorp Genetics (formerly Invitae), Labcorp
Classification: Uncertain significance. Last evaluated: 2024-12-04. Review status: criteria provided, single submitter. Criteria: Invitae Variant Classification Sherloc (09022015). Collection method: clinical testing. Allele origin: germline.
Comment: This sequence change replaces methionine, which is neutral and non-polar, with valine, which is neutral and non-polar, at codon 77 of the FH protein (p.Met77Val). This variant is present in population databases (no rsID available, gnomAD 0.0009%). This variant has not been reported in the literature in individuals affected with FH-related conditions. ClinVar contains an entry for this variant (Variation ID: 2080033). Invitae Evidence Modeling of protein sequence and biophysical properties (such as structural, functional, and spatial information, amino acid conservation, physicochemical variation, residue mobility, and thermodynamic stability) indicates that this missense variant is not expected to disrupt FH protein function with a negative predictive value of 80%. In summary, the available evidence is currently insufficient to determine the role of this variant in disease. Therefore, it has been classified as a Variant of Uncertain Significance.